The following is an entry in ClinVar:

NM_001308093.3(GATA4):c.70G>T (p.Gly24Cys)

Gene: GATA4 (GATA binding protein 4). Cytogenetic location: 8p23.1.
Variant type: single nucleotide variant.
Coding change: c.70G>T on transcript NM_001308093.3 (MANE Select); coding-DNA position 70, G replaced by T.
Protein change: p.Gly24Cys; replaces glycine 24 with cysteine.
Molecular consequence: missense variant. On other transcripts: intron variant (3).
Genome position (GRCh38, 1-based): chr8:11,708,382, G>T. VCF-style: chr8-11708382-G-T. GRCh37 (hg19) VCF-style: chr8-11565891-G-T.
Other names: c.70G>T, p.Gly24Cys (NM_002052.5); c.-6+7604G>T (NM_001308094.2); c.-3+368G>T (NM_001374274.1); c.-3+4078G>T (NM_001374273.1); short protein forms G24C.
Identifiers: ClinVar variation 3221998 (VCV003221998.1), dbSNP rs777394438, ClinGen allele CA370308732.
Genomic context (GRCh38, chr8:11,708,382, plus strand): 5'-AGCTTGGCCATGGCCGCCAACCACGGGCCGCCCCCCGGTGCCTACGAGGCGGGCGGCCCC[G>T]GCGCCTTCATGCACGGCGCGGGCGCCGCGTCCTCGCCAGTCTACGTGCCCACACCGCGGG-3'
Protein context (NP_001295022.1, residues 14-34): PPGAYEAGGP[Gly24Cys]AFMHGAGAAS

ClinVar aggregate classification (germline): Uncertain significance (1 of 4 stars; one submission).

Conditions:
Cardiovascular phenotype. Identifiers: MedGen CN230736.

Submission:

Ambry Genetics
Classification: Uncertain significance for Cardiovascular phenotype. Last evaluated: 2023-10-19. Review status: criteria provided, single submitter. Criteria: Ambry Variant Classification Scheme 2023. Collection method: clinical testing. Allele origin: germline.
Comment: The p.G24C variant (also known as c.70G>T), located in coding exon 1 of the GATA4 gene, results from a G to T substitution at nucleotide position 70. The glycine at codon 24 is replaced by cysteine, an amino acid with highly dissimilar properties. This amino acid position is conserved. In addition, the in silico prediction for this alteration is inconclusive. Since supporting evidence is limited at this time, the clinical significance of this alteration remains unclear.